The following is an entry in ClinVar:

NM_203486.3(DLL3):c.1744A>G (p.Ile582Val)

Gene: DLL3 (delta like canonical Notch ligand 3; plus strand). Cytogenetic location: 19q13.2.
Variant type: single nucleotide variant.
Coding change: c.1744A>G on transcript NM_203486.3 (MANE Select); coding-DNA position 1744, A replaced by G.
Protein change: p.Ile582Val; replaces isoleucine 582 with valine.
Molecular consequence: missense variant.
Genome position (GRCh38, 1-based): chr19:39,507,900, A>G. VCF-style: chr19-39507900-A-G. GRCh37 (hg19) VCF-style: chr19-39998540-A-G.
Other names: c.1744A>G, p.Ile582Val (NM_016941.4); short protein forms I582V.
Identifiers: ClinVar variation 1953665 (VCV001953665.2), dbSNP rs751999027, ClinGen allele CA9432516.
Genomic context (GRCh38, chr19:39,507,900, plus strand): 5'-GATTGGAATCGCCCTGAAGATGTAGACCCTCAAGGGATTTATGTCATATCTGCTCCTTCC[A>G]TCTACGCTCGGGAGGTAGCGACGCCCCTTTTCCCCCCGCTACACACTGGGCGCGCTGGGC-3'
Protein context (NP_982353.1, residues 572-587): QGIYVISAPS[Ile582Val]YAREA

ClinVar aggregate classification (germline): Uncertain significance (1 of 4 stars; one submission).

Allele frequency attached by ClinVar (database versions not stated): TOPMed below 0.00001; ExAC 0.00001; gnomAD 0.00001; gnomAD exomes 0.00001.
gnomAD v4.1: 6 of 1,613,882 alleles (0.00037%); highest among the groups gnomAD compares: Admixed American, 0.0083%; no homozygotes.

Submission:

Labcorp Genetics (formerly Invitae), Labcorp
Classification: Uncertain significance. Last evaluated: 2022-02-23. Review status: criteria provided, single submitter. Criteria: Invitae Variant Classification Sherloc (09022015). Collection method: clinical testing. Allele origin: germline.
Comment: This sequence change replaces isoleucine, which is neutral and non-polar, with valine, which is neutral and non-polar, at codon 582 of the DLL3 protein (p.Ile582Val). This variant is present in population databases (rs751999027, gnomAD 0.009%). This variant has not been reported in the literature in individuals affected with DLL3-related conditions. Algorithms developed to predict the effect of missense changes on protein structure and function output the following: SIFT: "Tolerated"; PolyPhen-2: "Benign"; Align-GVGD: "Class C0". The valine amino acid residue is found in multiple mammalian species, which suggests that this missense change does not adversely affect protein function. In summary, the available evidence is currently insufficient to determine the role of this variant in disease. Therefore, it has been classified as a Variant of Uncertain Significance.